The following is an entry in ClinVar:

ClinVar aggregate classification (germline): Conflicting classifications of pathogenicity. Review status: criteria provided, conflicting classifications (1 of 4 stars). 5 submissions from 5 submitters: Uncertain significance (4); Likely benign (1). Last evaluated 2025-10-10.

Conditions:
Familial thoracic aortic aneurysm and aortic dissection (TAAD). Also called: Thoracic aortic aneurysms and dissections. Identifiers: Orphanet 91387, MedGen C4707243, MONDO:0019625.
Heterotopia, periventricular, X-linked dominant (PVNH1). Also called: PERIVENTRICULAR NODULAR HETEROTOPIA 1; X-linked periventricular heterotopia; PERIVENTRICULAR NODULAR HETEROTOPIA 4; HETEROTOPIA, PERIVENTRICULAR, 1. Identifiers: Orphanet 2149, Orphanet 82004, MedGen C1848213, MONDO:0010233, OMIM 300049.
Oto-palato-digital syndrome, type II (OPD2). Also called: FACIOPALATOOSSEOUS SYNDROME; OPD II SYNDROME; Otopalatodigital Syndrome Type 2 (FLNA-OPD2); Otopalatodigital Syndrome, Type II. Identifiers: Orphanet 669, Orphanet 90652, MedGen C1844696, MONDO:0010571, OMIM 304120.
Frontometaphyseal dysplasia (FMD1). Identifiers: Orphanet 1826, MedGen C0265293, MONDO:0015942.
Melnick-Needles syndrome (MNS). Also called: MELNICK-NEEDLES OSTEODYSPLASTY; OSTEODYSPLASTY OF MELNICK AND NEEDLES; Melnick-Needles Syndrome (FLNA-MNS). Identifiers: Orphanet 2484, MedGen C0025237, MONDO:0010650, OMIM 309350.

Allele frequency attached by ClinVar (database versions not stated): gnomAD exomes 0.00001; TOPMed 0.00001.
gnomAD v4.1: 26 of 1,211,852 alleles (0.0021%); highest among the groups gnomAD compares: Non-Finnish European, 0.0028%; no homozygotes.

Submissions (5):

Labcorp Genetics (formerly Invitae), Labcorp
Classification: Likely benign for Oto-palato-digital syndrome, type II; Heterotopia, periventricular, X-linked dominant; Frontometaphyseal dysplasia; Melnick-Needles syndrome. Last evaluated: 2025-10-10. Review status: criteria provided, single submitter. Criteria: Invitae Variant Classification Sherloc (09022015). Collection method: clinical testing. Allele origin: germline.

GeneDx
Classification: Uncertain significance. Last evaluated: 2025-03-31. Review status: criteria provided, single submitter. Criteria: GeneDx Variant Classification Process June 2021. Collection method: clinical testing. Allele origin: germline. Affected: yes.
Comment: Observed in the hemizygous state in an individual with colitis and hematochezia (PMID: 30755392); In silico analysis supports that this missense variant has a deleterious effect on protein structure/function; This variant is associated with the following publications: (PMID: 30755392)

Mayo Clinic Laboratories, Mayo Clinic
Classification: Uncertain significance. Last evaluated: 2022-07-27. Review status: criteria provided, single submitter. Criteria: ACMG Guidelines, 2015. Collection method: clinical testing. Allele origin: germline. Observed: 1 variant allele.
Comment: PP2, PP3, PM2_supporting

Ambry Genetics
Classification: Uncertain significance for Familial thoracic aortic aneurysm and aortic dissection. Last evaluated: 2021-08-14. Review status: criteria provided, single submitter. Criteria: Ambry Variant Classification Scheme 2023. Collection method: clinical testing. Allele origin: germline.
Comment: The p.T2480N variant (also known as c.7439C>A), located in coding exon 44 of the FLNA gene, results from a C to A substitution at nucleotide position 7439. The threonine at codon 2480 is replaced by asparagine, an amino acid with similar properties. This variant was detected in an exome case with thrombocytopenia and gastrointestinal findings, with no cardiac phenotype reported (Ji J et al. Cold Spring Harb Mol Case Stud, 2019 04;5:). Based on data from gnomAD, the A allele has an overall frequency of <0.001% (1/180847) total alleles studied, with 0 hemizygote(s) observed. The highest observed frequency was 0.001% (1/80856) of European (non-Finnish) alleles. This amino acid position is highly conserved in available vertebrate species. In addition, the in silico prediction for this alteration is inconclusive. Since supporting evidence is limited at this time, the clinical significance of this alteration remains unclear.

Center for Personalized Medicine, Children's Hospital Los Angeles
Classification: Uncertain significance. Last evaluated: 2018-11-19. Review status: criteria provided, single submitter. Criteria: ACMG Guidelines, 2015. Collection method: clinical testing. Allele origin: germline. Affected: yes.

Literature cited by the submitters: PubMed 30755392 (cited by Mayo Clinic Laboratories, Mayo Clinic and Ambry Genetics).

NM_001110556.2(FLNA):c.7463C>A (p.Thr2488Asn)

Gene: FLNA (filamin A; minus strand). Cytogenetic location: Xq28.
Variant type: single nucleotide variant.
Coding change: c.7463C>A on transcript NM_001110556.2 (MANE Select); coding-DNA position 7463, C replaced by A.
Protein change: p.Thr2488Asn; replaces threonine 2488 with asparagine.
Molecular consequence: missense variant.
Genome position (GRCh38, 1-based): chrX:154,349,738, G>T on the plus strand (C>A on the coding strand, the complement: FLNA is on the minus strand). VCF-style: chrX-154349738-G-T. GRCh37 (hg19) VCF-style: chrX-153578106-G-T.
Other names: p.Thr2480Asn; c.7439C>A, p.Thr2480Asn (NM_001456.4); short protein forms T2480N, T2488N.
Identifiers: ClinVar variation 465020 (VCV000465020.20), dbSNP rs909387820, ClinGen allele CA337272867.
Genomic context (GRCh38, chrX:154,349,738, plus strand): 5'-CCAATGTGGTAGGGGCCGCCGTACTTGATGGAGATGAGGTAGCTGCCAGGTGCCATGGGG[G>T]TATAGGTGACGCGGTAGCCCTCAGGGCACTCCTGGCAATCCATCTTCACCTTGGAGGGGC-3'
Protein context (NP_001104026.1, residues 2478-2498): ECPEGYRVTY[Thr2488Asn]PMAPGSYLIS